The following is an entry in ClinVar:

ClinVar aggregate classification (germline): Uncertain significance (1 of 4 stars; one submission).

Conditions:
Severe combined immunodeficiency due to DCLRE1C deficiency (RS-SCID). Also called: SCID, AUTOSOMAL RECESSIVE, T CELL-NEGATIVE, B CELL-NEGATIVE, NK CELL-POSITIVE, WITH SENSITIVITY TO IONIZING RADIATION. Identifiers: Orphanet 275, MedGen C1865371, MONDO:0011225, OMIM 602450.

Submission:

Labcorp Genetics (formerly Invitae), Labcorp
Classification: Uncertain significance for Athabaskan severe combined immunodeficiency. Last evaluated: 2022-02-17. Review status: criteria provided, single submitter. Criteria: Invitae Variant Classification Sherloc (09022015). Collection method: clinical testing. Allele origin: germline.
Comment: In summary, the available evidence is currently insufficient to determine the role of this variant in disease. Therefore, it has been classified as a Variant of Uncertain Significance. Algorithms developed to predict the effect of sequence changes on RNA splicing suggest that this variant is not likely to affect RNA splicing. Algorithms developed to predict the effect of missense changes on protein structure and function (SIFT, PolyPhen-2, Align-GVGD) all suggest that this variant is likely to be tolerated. This variant has not been reported in the literature in individuals affected with DCLRE1C-related conditions. This variant is not present in population databases (gnomAD no frequency). This sequence change replaces glycine, which is neutral and non-polar, with arginine, which is basic and polar, at codon 515 of the DCLRE1C protein (p.Gly515Arg).

NM_001033855.3(DCLRE1C):c.1543G>A (p.Gly515Arg)

Gene: DCLRE1C (DNA cross-link repair 1C; minus strand). Cytogenetic location: 10p13.
Variant type: single nucleotide variant.
Coding change: c.1543G>A on transcript NM_001033855.3 (MANE Select); coding-DNA position 1543, G replaced by A.
Protein change: p.Gly515Arg; replaces glycine 515 with arginine.
Molecular consequence: missense variant. On other transcripts: non-coding transcript variant (4).
Genome position (GRCh38, 1-based): chr10:14,908,944, C>T on the plus strand (G>A on the coding strand, the complement: DCLRE1C is on the minus strand). VCF-style: chr10-14908944-C-T. GRCh37 (hg19) VCF-style: chr10-14950943-C-T.
Other names: c.1183G>A, p.Gly395Arg (NM_001033857.3, NM_001033858.3, NM_001289077.2 and 2 more transcripts); c.1198G>A, p.Gly400Arg (NM_001289076.2, NM_001289078.2, NM_001350966.2 and 1 more transcripts); c.1543G>A, p.Gly515Arg (NM_001350965.2); short protein forms G395R, G400R, G515R.
Identifiers: ClinVar variation 1974829 (VCV001974829.5), dbSNP rs1419439468, ClinGen allele CA376075361.